The following is an entry in ClinVar:

ClinVar aggregate classification (germline): Uncertain significance (1 of 4 stars; one submission).

Conditions:
Early-infantile DEE. Also called: Ohtahara syndrome; Early infantile epileptic encephalopathy; Early infantile epileptic encephalopathy with suppression bursts. Identifiers: Orphanet 1934, MedGen C0393706, MONDO:0800491.

Submission:

Labcorp Genetics (formerly Invitae), Labcorp
Classification: Uncertain significance for Early-infantile DEE. Last evaluated: 2020-08-27. Review status: criteria provided, single submitter. Criteria: Invitae Variant Classification Sherloc (09022015). Collection method: clinical testing. Allele origin: germline.
Comment: The current clinical and genetic evidence is not sufficient to establish whether loss-of-function variants in KCNH5 cause disease. In summary, the available evidence is currently insufficient to determine the role of this variant in disease. Therefore, it has been classified as a Variant of Uncertain Significance. Algorithms developed to predict the effect of sequence changes on RNA splicing suggest that this variant may disrupt the consensus splice site, but this prediction has not been confirmed by published transcriptional studies. This variant has not been reported in the literature in individuals with KCNH5-related conditions. This variant is not present in population databases (ExAC no frequency). This sequence change affects an acceptor splice site in intron 4 of the KCNH5 gene. It is expected to disrupt RNA splicing and likely results in an absent or disrupted protein product.

NM_139318.5(KCNH5):c.434-2A>C

Gene: KCNH5 (potassium voltage-gated channel subfamily H member 5; minus strand). Cytogenetic location: 14q23.2.
Variant type: single nucleotide variant.
Coding change: c.434-2A>C on transcript NM_139318.5 (MANE Select); the canonical splice acceptor site of the intron before coding-DNA position 434, A replaced by C.
Molecular consequence: splice acceptor variant.
Genome position (GRCh38, 1-based): chr14:62,987,189, T>G on the plus strand (A>C on the coding strand, the complement: KCNH5 is on the minus strand). VCF-style: chr14-62987189-T-G. GRCh37 (hg19) VCF-style: chr14-63453907-T-G.
Other names: c.434-2A>C (NM_172375.3).
Identifiers: ClinVar variation 1024815 (VCV001024815.8), dbSNP rs1890726221, ClinGen allele CA390104934.